The following is an entry in ClinVar:

NM_203446.3(SYNJ1):c.3352A>G (p.Thr1118Ala)

Gene: SYNJ1 (synaptojanin 1; minus strand). Cytogenetic location: 21q22.11.
Variant type: single nucleotide variant.
Coding change: c.3352A>G on transcript NM_203446.3 (MANE Select); coding-DNA position 3352, A replaced by G.
Protein change: p.Thr1118Ala; replaces threonine 1118 with alanine.
Molecular consequence: missense variant.
Genome position (GRCh38, 1-based): chr21:32,645,685, T>C on the plus strand (A>G on the coding strand, the complement: SYNJ1 is on the minus strand). VCF-style: chr21-32645685-T-C. GRCh37 (hg19) VCF-style: chr21-34017995-T-C.
Other names: c.3352A>G, p.Thr1118Ala (NM_001160302.2); c.3337A>G, p.Thr1113Ala (NM_001160306.2); c.3469A>G, p.Thr1157Ala (NM_003895.4); short protein forms T1157A, T1118A, T1113A.
Identifiers: ClinVar variation 857362 (VCV000857362.10), dbSNP rs1189796802, ClinGen allele CA410068240.

ClinVar aggregate classification (germline): Uncertain significance (1 of 4 stars; one submission).

Conditions:
Developmental and epileptic encephalopathy, 53. Also called: Epileptic encephalopathy, early infantile, 53. Identifiers: MedGen C4479313, MONDO:0033362, OMIM 617389.
Early-onset Parkinson disease 20. Also called: PARKINSON DISEASE 20, AUTOSOMAL RECESSIVE EARLY-ONSET. Identifiers: Orphanet 391411, MedGen C3809824, MONDO:0014233, OMIM 615530.

Allele frequency attached by ClinVar (database versions not stated): gnomAD exomes below 0.00001.
gnomAD v4.1: 5 of 1,506,724 alleles (0.00033%); highest among the groups gnomAD compares: South Asian, 0.0054%; no homozygotes.

Submission:

Labcorp Genetics (formerly Invitae), Labcorp
Classification: Uncertain significance for Developmental and epileptic encephalopathy, 53; Early-onset Parkinson disease 20. Last evaluated: 2022-09-07. Review status: criteria provided, single submitter. Criteria: Invitae Variant Classification Sherloc (09022015). Collection method: clinical testing. Allele origin: germline.
Comment: This sequence change replaces threonine, which is neutral and polar, with alanine, which is neutral and non-polar, at codon 1157 of the SYNJ1 protein (p.Thr1157Ala). This variant is not present in population databases (gnomAD no frequency). In summary, the available evidence is currently insufficient to determine the role of this variant in disease. Therefore, it has been classified as a Variant of Uncertain Significance. Algorithms developed to predict the effect of missense changes on protein structure and function output the following: SIFT: "Tolerated"; PolyPhen-2: "Benign"; Align-GVGD: "Class C0". The alanine amino acid residue is found in multiple mammalian species, which suggests that this missense change does not adversely affect protein function. ClinVar contains an entry for this variant (Variation ID: 857362). This variant has not been reported in the literature in individuals affected with SYNJ1-related conditions.